The following is an entry in ClinVar:

ClinVar aggregate classification (germline): Likely pathogenic (1 of 4 stars; one submission).

Conditions:
Autosomal recessive congenital ichthyosis 1 (LI1). Also called: COLLODION FETUS; DESQUAMATION OF NEWBORN; ICHTHYOSIS CONGENITA; ICHTHYOSIS CONGENITA II; LAMELLAR EXFOLIATION OF NEWBORN; ICHTHYOSIS, CONGENITAL, AUTOSOMAL RECESSIVE 1, WITH BATHING SUIT DISTRIBUTION. Identifiers: MedGen C4551630, MONDO:0009441, OMIM 242300.

Submission:

Natera, Inc.
Classification: Likely pathogenic for Autosomal recessive congenital ichthyosis type 1. Last evaluated: 2025-07-27. Review status: criteria provided, single submitter. Criteria: Natera Variant Classification Schema (03/2026). Collection method: clinical testing. Allele origin: germline.
Comment: The c.1571G>A variant in TGM1 is a missense variant predicted to cause substitution of glycine to aspartic acid at amino acid 524. This variant is rare in the general population with a frequency below the threshold expected for the associated phenotype(s). This variant has been observed in one or more individuals affected with the associated recessive disease, as either homozygous or compound heterozygous with a second variant (PMID: 22801880). A different variant at the same position has been determined to be Pathogenic or Likely Pathogenic. Computational prediction algorithms indicate this variant is likely to affect gene or protein function. Given the available evidence, this variant is classified as Likely Pathogenic.

Literature cited by the submitters: PubMed 22801880.

NM_000359.3(TGM1):c.1571G>A (p.Gly524Asp)

Gene: TGM1 (transglutaminase 1; minus strand). Cytogenetic location: 14q12.
Variant type: single nucleotide variant.
Coding change: c.1571G>A on transcript NM_000359.3 (MANE Select); coding-DNA position 1571, G replaced by A.
Protein change: p.Gly524Asp; replaces glycine 524 with aspartic acid.
Molecular consequence: missense variant.
Genome position (GRCh38, 1-based): chr14:24,255,438, C>T on the plus strand (G>A on the coding strand, the complement: TGM1 is on the minus strand). VCF-style: chr14-24255438-C-T. GRCh37 (hg19) VCF-style: chr14-24724644-C-T.
Other names: short protein forms G524D.
Identifiers: ClinVar variation 4818262 (VCV004818262.1).